The following is an entry in ClinVar:

ClinVar aggregate classification (germline): Uncertain significance (1 of 4 stars; one submission).

Conditions:
Tay-Sachs disease, variant AB. Also called: Gm2-gangliosidosis, ab variant; GM2 Activator Deficiency. Identifiers: Orphanet 309246, MedGen C0268275, MONDO:0010099, OMIM 272750.

Allele frequency attached by ClinVar (database versions not stated): gnomAD exomes below 0.00001; TOPMed below 0.00001.
gnomAD v4.1: 1 of 1,614,144 alleles (0.000062%); highest among the groups gnomAD compares: Non-Finnish European, 0.000085%; no homozygotes.

Submission:

Labcorp Genetics (formerly Invitae), Labcorp
Classification: Uncertain significance for Tay-Sachs disease, variant AB. Last evaluated: 2022-04-28. Review status: criteria provided, single submitter. Criteria: Invitae Variant Classification Sherloc (09022015). Collection method: clinical testing. Allele origin: germline.
Comment: This sequence change replaces aspartic acid, which is acidic and polar, with valine, which is neutral and non-polar, at codon 156 of the GM2A protein (p.Asp156Val). This variant is not present in population databases (gnomAD no frequency). This variant has not been reported in the literature in individuals affected with GM2A-related conditions. Algorithms developed to predict the effect of missense changes on protein structure and function (SIFT, PolyPhen-2, Align-GVGD) all suggest that this variant is likely to be tolerated. In summary, the available evidence is currently insufficient to determine the role of this variant in disease. Therefore, it has been classified as a Variant of Uncertain Significance.

NM_000405.5(GM2A):c.467A>T (p.Asp156Val)

Gene: GM2A (ganglioside GM2 activator; plus strand). Cytogenetic location: 5q33.1.
Variant type: single nucleotide variant.
Coding change: c.467A>T on transcript NM_000405.5 (MANE Select); coding-DNA position 467, A replaced by T.
Protein change: p.Asp156Val; replaces aspartic acid 156 with valine.
Molecular consequence: missense variant. On other transcripts: intron variant (1).
Genome position (GRCh38, 1-based): chr5:151,267,336, A>T. VCF-style: chr5-151267336-A-T. GRCh37 (hg19) VCF-style: chr5-150646897-A-T.
Other names: c.413-156A>T (NM_001167607.3); short protein forms D156V.
Identifiers: ClinVar variation 2115899 (VCV002115899.1), dbSNP rs1753908017, ClinGen allele CA361808502.
Genomic context (GRCh38, chr5:151,267,336, plus strand): 5'-GTCCACTGGCTTTCCCGCAGGGAACCTACTCACTGCCCAAGAGCGAATTCGTTGTGCCTG[A>T]CCTGGAGCTGCCCAGTTGGCTCACCACCGGGAACTACCGCATAGAGAGCGTCCTGAGCAG-3'
Protein context (NP_000396.2, residues 146-166): SLPKSEFVVP[Asp156Val]LELPSWLTTG